The following is an entry in ClinVar:

ClinVar aggregate classification (germline): Uncertain significance (1 of 4 stars; one submission).

Allele frequency attached by ClinVar (database versions not stated): gnomAD 0.00001 and 0.00005; TOPMed 0.00005; 1000 Genomes Project 30x 0.00031; 1000 Genomes Project 0.00040.
gnomAD v4.1: 48 of 1,609,722 alleles (0.003%); highest among the groups gnomAD compares: East Asian, 0.038%; no homozygotes.

Submission:

Labcorp Genetics (formerly Invitae), Labcorp
Classification: Uncertain significance. Last evaluated: 2022-09-27. Review status: criteria provided, single submitter. Criteria: Invitae Variant Classification Sherloc (09022015). Collection method: clinical testing. Allele origin: germline.
Comment: This sequence change replaces isoleucine, which is neutral and non-polar, with valine, which is neutral and non-polar, at codon 211 of the CCDC88A protein (p.Ile211Val). The frequency data for this variant in the population databases is considered unreliable, as metrics indicate poor data quality at this position in the gnomAD database. This variant has not been reported in the literature in individuals affected with CCDC88A-related conditions. ClinVar contains an entry for this variant (Variation ID: 1432574). Algorithms developed to predict the effect of missense changes on protein structure and function (SIFT, PolyPhen-2, Align-GVGD) all suggest that this variant is likely to be tolerated. In summary, the available evidence is currently insufficient to determine the role of this variant in disease. Therefore, it has been classified as a Variant of Uncertain Significance.

NM_001365480.1(CCDC88A):c.631A>G (p.Ile211Val)

Gene: CCDC88A (coiled-coil domain containing 88A; minus strand). Cytogenetic location: 2p16.1.
Variant type: single nucleotide variant.
Coding change: c.631A>G on transcript NM_001365480.1 (MANE Select); coding-DNA position 631, A replaced by G.
Protein change: p.Ile211Val; replaces isoleucine 211 with valine.
Molecular consequence: missense variant.
Genome position (GRCh38, 1-based): chr2:55,355,748, T>C on the plus strand (A>G on the coding strand, the complement: CCDC88A is on the minus strand). VCF-style: chr2-55355748-T-C. GRCh37 (hg19) VCF-style: chr2-55582884-T-C.
Other names: c.631A>G, p.Ile211Val (NM_001135597.2, NM_001254943.2, NM_018084.5); short protein forms I211V.
Identifiers: ClinVar variation 1432574 (VCV001432574.3), dbSNP rs201676947, ClinGen allele CA1666323.